The following is an entry in ClinVar:

ClinVar aggregate classification (germline): not provided (0 of 4 stars; one submission).

Submission:

James Howe Lab, University of Iowa Hospital and Clinics
No classification provided. Review status: no classification provided. Collection method: not provided. Allele origin: unknown.
Comment: Analysis of CDKN1B mutations in 86 patients with small bowel neuroendocrine tumors and 68 patients with pancreas neuroendocrine tumors.

NM_005961.3(MUC6):c.4577A>T (p.His1526Leu)

Gene: MUC6 (mucin 6, oligomeric mucus/gel-forming; minus strand). Cytogenetic location: 11p15.5.
Variant type: single nucleotide variant.
Coding change: c.4577A>T on transcript NM_005961.3 (MANE Select); coding-DNA position 4577, A replaced by T.
Protein change: p.His1526Leu; replaces histidine 1526 with leucine.
Molecular consequence: missense variant.
Genome position (GRCh38, 1-based): chr11:1,018,224, T>A on the plus strand (A>T on the coding strand, the complement: MUC6 is on the minus strand). VCF-style: chr11-1018224-T-A. GRCh37 (hg19) VCF-style: chr11-1018224-T-A.
Other names: short protein forms H1526L.
Identifiers: ClinVar variation 156711 (VCV000156711.1), dbSNP rs587777897, ClinGen allele CA248412.